The following is an entry in ClinVar:

NM_054012.4(ASS1):c.19G>A (p.Val7Met)

Gene: ASS1 (argininosuccinate synthase 1; plus strand). Cytogenetic location: 9q34.11.
Variant type: single nucleotide variant.
Coding change: c.19G>A on transcript NM_054012.4 (MANE Select); coding-DNA position 19, G replaced by A.
Protein change: p.Val7Met; replaces valine 7 with methionine.
Molecular consequence: missense variant.
Genome position (GRCh38, 1-based): chr9:130,452,247, G>A. VCF-style: chr9-130452247-G-A. GRCh37 (hg19) VCF-style: chr9-133327634-G-A.
Other names: c.19G>A, p.Val7Met (NM_000050.4); short protein forms V7M.
Identifiers: ClinVar variation 582173 (VCV000582173.15), dbSNP rs149938546, ClinGen allele CA5283127.
Genomic context (GRCh38, chr9:130,452,247, plus strand): 5'-CTCAGGGTCACTCAGGTTGTTCCTCGACTCCCGCCAGACGCTATGTCCAGCAAAGGCTCC[G>A]TGGTTCTGGCCTACAGTGGCGGCCTGGACACCTCGTGCATCCTCGTGTGGCTGAAGGAAC-3'
Protein context (NP_446464.1, residues 1-17): MSSKGS[Val7Met]VLAYSGGLDT

ClinVar aggregate classification (germline): Conflicting classifications of pathogenicity. Review status: criteria provided, conflicting classifications (1 of 4 stars). 7 submissions from 7 submitters: Pathogenic (1); Likely pathogenic (1); Uncertain significance (4). 1 of the submissions does not count toward it. Last evaluated 2025-11-08.

Conditions:
ASS1-related disorder. Also called: ASS1-related condition.
Citrullinemia. Identifiers: Orphanet 187, MedGen C0175683, MONDO:0015991.
Citrullinemia type I (CTNL1). Also called: argininosuccinate synthetase deficiency; ASS DEFICIENCY. Identifiers: Orphanet 247525, MedGen C4721769, MONDO:0008988, OMIM 215700.

Allele frequency attached by ClinVar (database versions not stated): gnomAD exomes 0.00002 and 0.00004; ExAC 0.00003; gnomAD 0.00009; TOPMed 0.00010; ESP Exome Variant Server 0.00015.

Submissions (7):

Labcorp Genetics (formerly Invitae), Labcorp
Classification: Pathogenic for Citrullinemia. Last evaluated: 2025-11-08. Review status: criteria provided, single submitter. Criteria: Invitae Variant Classification Sherloc (09022015). Collection method: clinical testing. Allele origin: germline.
Comment: This sequence change replaces valine, which is neutral and non-polar, with methionine, which is neutral and non-polar, at codon 7 of the ASS1 protein (p.Val7Met). This variant is present in population databases (rs149938546, gnomAD 0.03%). This missense change has been observed in individual(s) with clinical features of citrullinemia and/or features of citrullinemia (PMID: 30612563, 31469252; internal data). In at least one individual the data is consistent with being in trans (on the opposite chromosome) from a pathogenic variant. ClinVar contains an entry for this variant (Variation ID: 582173). Invitae Evidence Modeling of protein sequence and biophysical properties (such as structural, functional, and spatial information, amino acid conservation, physicochemical variation, residue mobility, and thermodynamic stability) indicates that this missense variant is expected to disrupt ASS1 protein function with a positive predictive value of 80%. For these reasons, this variant has been classified as Pathogenic.

Women's Health and Genetics/Laboratory Corporation of America, LabCorp
Classification: Uncertain significance. Last evaluated: 2025-05-14. Review status: criteria provided, single submitter. Criteria: LabCorp Variant Classification Summary - May 2015. Collection method: clinical testing. Allele origin: germline.
Comment: Variant summary: ASS1 c.19G>A (p.Val7Met) results in a conservative amino acid change in the encoded protein sequence. Algorithms developed to predict the effect of missense changes on protein structure and function are either unavailable or do not agree on the potential impact of this missense change. The variant allele was found at a frequency of 4.4e-05 in 251350 control chromosomes. This frequency is not significantly higher than estimated for a pathogenic variant in ASS1 causing Citrullinemia Type I (4.4e-05 vs 0.0041), allowing no conclusion about variant significance. c.19G>A has been reported in the literature in individuals (in compound heterozygous state) affected with Citrullinemia (Zielonka_2021, Wang_2019). These data do not allow any conclusion about variant significance. At least one publication reports experimental evidence evaluating an impact on protein function, however, does not allow convincing conclusions about the variant effect (Zielonka_2021). The following publications have been ascertained in the context of this evaluation (PMID: 30612563, 31469252). ClinVar contains an entry for this variant (Variation ID: 582173). Based on the evidence outlined above, the variant was classified as uncertain significance.

PreventionGenetics, part of Exact Sciences
Classification: Uncertain significance for ASS1-related condition. Last evaluated: 2025-02-14. Review status: criteria provided, single submitter. Criteria: ACMG Guidelines, 2015. Collection method: clinical testing. Allele origin: germline.
Comment: The ASS1 c.19G>A variant is predicted to result in the amino acid substitution p.Val7Met. This variant was reported along with a second rare ASS1 variant in an individual with elevated citrulline on newborn screening (Wang et al 2019. PubMed ID: 30612563). When the p.Val7Met substitution was combined with a known pathogenic variant (c.1168G>A, p.Gly390Arg) in a mammalian biallelic expression system, only an ~20% reduction in enzyme activity was observed (Zielonka M et al 2019. PubMed ID: 31469252). This variant is reported in 0.031% of alleles in individuals of African descent in gnomAD. The clinical significance of this variant is currently uncertain due to the absence of conclusive functional and genetic evidence.

Fulgent Genetics
Classification: Likely pathogenic for Citrullinemia type I. Last evaluated: 2024-04-26. Review status: criteria provided, single submitter. Criteria: ACMG Guidelines, 2015. Collection method: clinical testing. Allele origin: germline.

Baylor Genetics
Classification: Uncertain significance for Citrullinemia type I. Last evaluated: 2023-11-26. Review status: criteria provided, single submitter. Criteria: ACMG Guidelines, 2015. Collection method: clinical testing. Allele origin: unknown.

GeneDx
Classification: Uncertain significance. Last evaluated: 2019-11-18. Review status: criteria provided, single submitter. Criteria: GeneDx Variant Classification Process June 2021. Collection method: clinical testing. Allele origin: germline. Affected: yes.
Comment: In silico analysis, which includes protein predictors and evolutionary conservation, supports a deleterious effect; This variant is associated with the following publications: (PMID: 31469252, 30612563)

Natera, Inc.
Classification: Uncertain significance for Citrullinemia type I. Last evaluated: 2020-09-16. Review status: no assertion criteria provided. Collection method: clinical testing. Allele origin: germline. Not counted in ClinVar's aggregate classification.

Literature cited by the submitters: PubMed 30612563 (cited by Labcorp Genetics (formerly Invitae), Labcorp and Women's Health and Genetics/Laboratory Corporation of America, LabCorp); PubMed 31469252 (cited by Labcorp Genetics (formerly Invitae), Labcorp and Women's Health and Genetics/Laboratory Corporation of America, LabCorp).